The following is an entry in ClinVar:

ClinVar aggregate classification (germline): Uncertain significance (1 of 4 stars; one submission).

Allele frequency attached by ClinVar (database versions not stated): gnomAD exomes 0.00003 and 0.00011; ExAC 0.00012; ESP Exome Variant Server 0.00031; gnomAD 0.00034; TOPMed 0.00041; 1000 Genomes Project 0.00080; 1000 Genomes Project 30x 0.00109.
gnomAD v4.1: 97 of 1,585,204 alleles (0.0061%); highest among the groups gnomAD compares: African/African-American, 0.12%; no homozygotes.

Submission:

Labcorp Genetics (formerly Invitae), Labcorp
Classification: Uncertain significance. Last evaluated: 2025-10-20. Review status: criteria provided, single submitter. Criteria: Invitae Variant Classification Sherloc (09022015). Collection method: clinical testing. Allele origin: germline.
Comment: This sequence change falls in intron 4 of the RECQL gene. It does not directly change the encoded amino acid sequence of the RECQL protein. It affects a nucleotide within the consensus splice site. This variant is present in population databases (rs200660773, gnomAD 0.1%), and has an allele count higher than expected for a pathogenic variant. This variant has not been reported in the literature in individuals affected with RECQL-related conditions. ClinVar contains an entry for this variant (Variation ID: 960739). Variants that disrupt the consensus splice site are a relatively common cause of aberrant splicing (PMID: 17576681, 9536098). Algorithms developed to predict the effect of sequence changes on RNA splicing suggest that this variant may disrupt the consensus splice site. In summary, the available evidence is currently insufficient to determine the role of this variant in disease. Therefore, it has been classified as a Variant of Uncertain Significance.

Literature cited by the submitters: PubMed 17576681; PubMed 9536098.

NM_002907.4(RECQL):c.394+6T>C

Gene: RECQL (RecQ like helicase; minus strand). Cytogenetic location: 12p12.1.
Variant type: single nucleotide variant.
Coding change: c.394+6T>C on transcript NM_002907.4 (MANE Select); 6 bases into the intron after coding-DNA position 394, T replaced by C.
Molecular consequence: intron variant.
Genome position (GRCh38, 1-based): chr12:21,490,193, A>G on the plus strand (T>C on the coding strand, the complement: RECQL is on the minus strand). VCF-style: chr12-21490193-A-G. GRCh37 (hg19) VCF-style: chr12-21643127-A-G.
Other names: c.394+6T>C (NM_032941.3).
Identifiers: ClinVar variation 960739 (VCV000960739.10), dbSNP rs200660773, ClinGen allele CA6479117.